The following is an entry in ClinVar:

NM_000827.4(GRIA1):c.1246-5T>C

Gene: GRIA1 (glutamate ionotropic receptor AMPA type subunit 1; plus strand). Cytogenetic location: 5q33.2.
Variant type: single nucleotide variant.
Coding change: c.1246-5T>C on transcript NM_000827.4 (MANE Select); 5 bases into the intron before coding-DNA position 1246, T replaced by C.
Molecular consequence: intron variant.
Genome position (GRCh38, 1-based): chr5:153,698,862, T>C. VCF-style: chr5-153698862-T-C. GRCh37 (hg19) VCF-style: chr5-153078422-T-C.
Other names: c.1273-5T>C (NM_001364166.2); c.1039-5T>C (NM_001364167.2, NM_001258023.1); c.961-5T>C (NM_001258020.2); c.1246-5T>C (NM_001114183.2); c.1078-5T>C (NM_001364165.2); c.1006-5T>C (NM_001258019.2); c.1276-5T>C (NM_001258021.2, NM_001258022.2).
Identifiers: ClinVar variation 3068933 (VCV003068933.2), dbSNP rs2480420769, ClinGen allele CA2825001427.

ClinVar aggregate classification (germline): Uncertain significance (1 of 4 stars; one submission).

Submission:

Women's Health and Genetics/Laboratory Corporation of America, LabCorp
Classification: Uncertain significance. Last evaluated: 2024-02-27. Review status: criteria provided, single submitter. Criteria: LabCorp Variant Classification Summary - May 2015. Collection method: clinical testing. Allele origin: germline.
Comment: Variant summary: GRIA1 c.1246-5T>C alters a non-conserved nucleotide located close to a canonical splice site and therefore could affect mRNA splicing, leading to a significantly altered protein sequence. Consensus agreement among computation tools predict no significant impact on normal splicing. However, these predictions have yet to be confirmed by functional studies. The variant was absent in 251162 control chromosomes (gnomAD). The available data on variant occurrences in the general population are insufficient to allow any conclusion about variant significance. To our knowledge, no occurrence of c.1246-5T>C in individuals affected with Intellectual Developmental Disorder, Autosomal Dominant 67 and no experimental evidence demonstrating its impact on protein function have been reported. No submitters have cited clinical-significance assessments for this variant to ClinVar. Based on the evidence outlined above, the variant was classified as uncertain significance.